The following is an entry in ClinVar:

NM_001160372.4(TRAPPC9):c.2521G>A (p.Glu841Lys)

Gene: TRAPPC9 (trafficking protein particle complex subunit 9; minus strand). Cytogenetic location: 8q24.3.
Variant type: single nucleotide variant.
Coding change: c.2521G>A on transcript NM_001160372.4 (MANE Select); coding-DNA position 2521, G replaced by A.
Protein change: p.Glu841Lys; replaces glutamic acid 841 with lysine.
Molecular consequence: missense variant. On other transcripts: non-coding transcript variant (1).
Genome position (GRCh38, 1-based): chr8:140,221,494, C>T on the plus strand (G>A on the coding strand, the complement: TRAPPC9 is on the minus strand). VCF-style: chr8-140221494-C-T. GRCh37 (hg19) VCF-style: chr8-141231593-C-T.
Other names: c.2494G>A, p.Glu832Lys (NM_001321646.2); c.2542G>A, p.Glu848Lys (NM_001374682.1); c.2521G>A, p.Glu841Lys (NM_001374683.1, NM_031466.8); c.2377G>A, p.Glu793Lys (NM_001374684.1); short protein forms E793K, E841K, E848K, E832K.
Identifiers: ClinVar variation 1925336 (VCV001925336.6), dbSNP rs763395971, ClinGen allele CA4893068.

ClinVar aggregate classification (germline): Uncertain significance. Review status: criteria provided, multiple submitters, no conflicts (2 of 4 stars). 2 submissions from 2 submitters: Uncertain significance (2). Last evaluated 2024-09-05.

Conditions:
Inborn genetic diseases. Identifiers: MedGen C0950123, MeSH D030342.

Allele frequency attached by ClinVar (database versions not stated): ExAC 0.00002; gnomAD 0.00002; TOPMed 0.00003.
gnomAD v4.1: 10 of 1,614,018 alleles (0.00062%); highest among the groups gnomAD compares: African/African-American, 0.004%; no homozygotes.

Submissions (2):

Labcorp Genetics (formerly Invitae), Labcorp
Classification: Uncertain significance. Last evaluated: 2024-09-05. Review status: criteria provided, single submitter. Criteria: Invitae Variant Classification Sherloc (09022015). Collection method: clinical testing. Allele origin: germline.
Comment: This sequence change replaces glutamic acid, which is acidic and polar, with lysine, which is basic and polar, at codon 939 of the TRAPPC9 protein (p.Glu939Lys). This variant is present in population databases (rs763395971, gnomAD 0.007%). This variant has not been reported in the literature in individuals affected with TRAPPC9-related conditions. ClinVar contains an entry for this variant (Variation ID: 1925336). An algorithm developed to predict the effect of missense changes on protein structure and function (PolyPhen-2) suggests that this variant is likely to be disruptive. In summary, the available evidence is currently insufficient to determine the role of this variant in disease. Therefore, it has been classified as a Variant of Uncertain Significance.

Ambry Genetics
Classification: Uncertain significance for Inborn genetic diseases. Last evaluated: 2022-09-14. Review status: criteria provided, single submitter. Criteria: Ambry Variant Classification Scheme 2023. Collection method: clinical testing. Allele origin: germline.